The following is an entry in ClinVar:

ClinVar aggregate classification (germline): Uncertain significance (1 of 4 stars; one submission).

Submission:

GeneDx
Classification: Uncertain significance. Last evaluated: 2024-08-22. Review status: criteria provided, single submitter. Criteria: GeneDx Variant Classification Process June 2021. Collection method: clinical testing. Allele origin: germline. Affected: yes.
Comment: Not observed at significant frequency in large population cohorts (gnomAD); In silico analysis supports that this missense variant has a deleterious effect on protein structure/function; Has not been previously published as pathogenic or benign to our knowledge

NM_001145073.3(USP27X):c.1222G>A (p.Val408Ile)

Gene: USP27X (ubiquitin specific peptidase 27 X-linked; plus strand). Cytogenetic location: Xp11.23.
Variant type: single nucleotide variant.
Coding change: c.1222G>A on transcript NM_001145073.3 (MANE Select); coding-DNA position 1222, G replaced by A.
Protein change: p.Val408Ile; replaces valine 408 with isoleucine.
Molecular consequence: missense variant.
Genome position (GRCh38, 1-based): chrX:49,881,529, G>A. VCF-style: chrX-49881529-G-A. GRCh37 (hg19) VCF-style: chrX-49646132-G-A.
Other names: short protein forms V408I.
Identifiers: ClinVar variation 3764121 (VCV003764121.1).